The following is an entry in ClinVar:

ClinVar aggregate classification (germline): other (0 of 4 stars; one submission).

Conditions:
Familial colorectal cancer. Identifiers: MedGen CN280943, MONDO:0023113. Disease mechanism: loss of function.

Allele frequency attached by ClinVar (database versions not stated): 1000 Genomes Project 30x 0.00062; gnomAD 0.00003; TOPMed 0.00009; 1000 Genomes Project 0.00040.
gnomAD v4.1: 6 of 152,060 alleles (0.0039%); highest among the groups gnomAD compares: East Asian, 0.097%; no homozygotes.

Submission:

Systems Biology Platform Zhejiang California International NanoSystems Institute
Classification: other for Familial colorectal cancer. Review status: no assertion criteria provided. Collection method: not provided. Allele origin: unknown.
ClinVar note: Converted during submission from cancer to other.

NM_000038.6(APC):c.135+2703G>C

Gene: APC (APC regulator of WNT signaling pathway; plus strand). Cytogenetic location: 5q22.2.
Variant type: single nucleotide variant.
Coding change: c.135+2703G>C on transcript NM_000038.6 (MANE Select); 2703 bases into the intron after coding-DNA position 135, G replaced by C.
Molecular consequence: intron variant.
Genome position (GRCh38, 1-based): chr5:112,757,728, G>C. VCF-style: chr5-112757728-G-C. GRCh37 (hg19) VCF-style: chr5-112093425-G-C.
Other names: c.135+2703G>C (NM_001354895.2, NM_001127510.3, NM_001354896.2 and 2 more transcripts); c.166-8598G>C (NM_001354897.2, NM_001354902.2, NM_001127511.3); c.61-8598G>C (NM_001354898.2, NM_001354904.2); c.-901+2703G>C (NM_001354906.2); c.-42-8598G>C (NM_001354900.2, NM_001354901.2, NM_001354905.2).
Identifiers: ClinVar variation 88624 (VCV000088624.2), dbSNP rs76641316, ClinGen allele CA004278.